The following is an entry in ClinVar:

ClinVar aggregate classification (germline): Uncertain significance (1 of 4 stars; one submission).

Conditions:
Osteogenesis imperfecta type I (OI1). Also called: Lobstein disease; OI, TYPE I; OSTEOGENESIS IMPERFECTA TARDA; OSTEOGENESIS IMPERFECTA WITH BLUE SCLERAE; Osteogenesis imperfecta type 1; Lobstein's Disease. Identifiers: Orphanet 216796, Orphanet 666, MedGen C0023931, MONDO:0008146, OMIM 166200. Disease mechanism: loss of function.
Ehlers-Danlos syndrome, classic type, 1 (EDSCL1). Also called: EDS I; EHLERS-DANLOS SYNDROME, GRAVIS TYPE; EHLERS-DANLOS SYNDROME, SEVERE CLASSIC TYPE; Ehlers-Danlos syndrome, type 1; Ehlers-Danlos Syndrome, Classic Type, COL5A1-Related. Identifiers: MedGen C0268335, MONDO:0019567, OMIM 130000.

Allele frequency attached by ClinVar (database versions not stated): gnomAD exomes below 0.00001; ExAC 0.00001; gnomAD 0.00001; 1000 Genomes Project 0.00020; 1000 Genomes Project 30x 0.00016.
gnomAD v4.1: 5 of 1,614,016 alleles (0.00031%); highest among the groups gnomAD compares: East Asian, 0.011%; no homozygotes.

Submission:

Labcorp Genetics (formerly Invitae), Labcorp
Classification: Uncertain significance for Osteogenesis imperfecta type I; Ehlers-Danlos syndrome, classic type, 1. Last evaluated: 2024-09-15. Review status: criteria provided, single submitter. Criteria: Invitae Variant Classification Sherloc (09022015). Collection method: clinical testing. Allele origin: germline.
Comment: This sequence change replaces alanine, which is neutral and non-polar, with glycine, which is neutral and non-polar, at codon 1289 of the COL1A2 protein (p.Ala1289Gly). This variant is present in population databases (rs555807882, gnomAD 0.02%). This variant has not been reported in the literature in individuals affected with COL1A2-related conditions. Invitae Evidence Modeling of protein sequence and biophysical properties (such as structural, functional, and spatial information, amino acid conservation, physicochemical variation, residue mobility, and thermodynamic stability) indicates that this missense variant is not expected to disrupt COL1A2 protein function with a negative predictive value of 95%. This variant disrupts the p.Ala1289 amino acid residue in COL1A2. Other variant(s) that disrupt this residue have been determined to be pathogenic (internal data). This suggests that this residue is clinically significant, and that variants that disrupt this residue are likely to be disease-causing. In summary, the available evidence is currently insufficient to determine the role of this variant in disease. Therefore, it has been classified as a Variant of Uncertain Significance.

NM_000089.4(COL1A2):c.3866C>G (p.Ala1289Gly)

Gene: COL1A2 (collagen type I alpha 2 chain; plus strand). Cytogenetic location: 7q21.3.
Variant type: single nucleotide variant.
Coding change: c.3866C>G on transcript NM_000089.4 (MANE Select); coding-DNA position 3866, C replaced by G.
Protein change: p.Ala1289Gly; replaces alanine 1289 with glycine.
Molecular consequence: missense variant.
Genome position (GRCh38, 1-based): chr7:94,429,342, C>G. VCF-style: chr7-94429342-C-G. GRCh37 (hg19) VCF-style: chr7-94058654-C-G.
Other names: short protein forms A1289G.
Identifiers: ClinVar variation 2926120 (VCV002926120.3), dbSNP rs555807882, ClinGen allele CA4347873.